The following is an entry in ClinVar:

NM_170665.4(ATP2A2):c.943A>T (p.Ile315Phe)

Gene: ATP2A2 (ATPase sarcoplasmic/endoplasmic reticulum Ca2+ transporting 2; plus strand). Cytogenetic location: 12q24.11.
Variant type: single nucleotide variant.
Coding change: c.943A>T on transcript NM_170665.4 (MANE Select); coding-DNA position 943, A replaced by T.
Protein change: p.Ile315Phe; replaces isoleucine 315 with phenylalanine.
Molecular consequence: missense variant.
Genome position (GRCh38, 1-based): chr12:110,327,865, A>T. VCF-style: chr12-110327865-A-T. GRCh37 (hg19) VCF-style: chr12-110765670-A-T.
Other names: c.838A>T, p.Ile280Phe (NM_001413013.1); c.943A>T, p.Ile315Phe (NM_001413014.1, NM_001681.4); c.568A>T, p.Ile190Phe (NM_001413015.1); short protein forms I190F, I280F, I315F.
Identifiers: ClinVar variation 3359260 (VCV003359260.2).

ClinVar aggregate classification (germline): Likely pathogenic (0 of 4 stars; one submission).

Conditions:
Keratosis follicularis (DAR). Also called: Darier disease; Darier's disease. Identifiers: Orphanet 218, MedGen C0022595, MONDO:0007417, OMIM 124200.

Submission:

Medical Genetics Unit, Mauro Baschirotto Institute for Rare Disease
Classification: Likely pathogenic for Keratosis follicularis. Last evaluated: 2024-06-07. Review status: no assertion criteria provided. Collection method: provider interpretation. Allele origin: germline. Affected: yes. Observed: 2 variant alleles.
Comment: The c.943A>T (p.Ile315Phe) variant has not been published as a pathogenic variant, nor has it been reported as a benign variant to our knowledge. As far as we know, this variant has not been reported in the literature or in a large population database, indicating this variant is rare. Missense variants in this gene are a common cause of disease and they are underrepresented in the general population. This substitution occurs in M4-domain at a position that is conserved across species. This variant has been found to segregate in a father and daughter with Darier disease. This novel missense variant was predicted as probably damaging by Polyphen2, deleterious by PROVEAN, damaging by FATHMM, probably damaging by PSEP, and is predicted to affect protein function by SIFT. This substitution occurs at a position that is conserved across species. In silico analysis supports that this missense variant is probably damaging to the protein structure/function. Therefore, this variant is classified likely pathogenic.